The following is an entry in ClinVar:

NM_000373.4(UMPS):c.*3785C>G

Gene: UMPS (uridine monophosphate synthetase; plus strand). Cytogenetic location: 3q21.2.
Variant type: single nucleotide variant.
Coding change: c.*3785C>G on transcript NM_000373.4 (MANE Select); 3785 bases downstream of the stop codon, C replaced by G.
Molecular consequence: 3 prime UTR variant. On other transcripts: non-coding transcript variant (2).
Genome position (GRCh38, 1-based): chr3:124,747,869, C>G. VCF-style: chr3-124747869-C-G. GRCh37 (hg19) VCF-style: chr3-124466716-C-G.
Identifiers: ClinVar variation 901317 (VCV000901317.4), dbSNP rs181697356, ClinGen allele CA2582135.
Genomic context (GRCh38, chr3:124,747,869, plus strand): 5'-TCTCTCCCAGCGAAATAGCTGCTTGGTCTTGTGTGAATCCTGTACTTTAACACAGTGGAC[C>G]AAGTGTCAGTCATTGAAAATGACCATGAGTAACCCTGTGGACTCTCTGCAGCTTGGTTCC-3'

ClinVar aggregate classification (germline): Benign (1 of 4 stars; one submission).

Conditions:
Oroticaciduria. Also called: Orotic aciduria. Identifiers: Orphanet 30, MedGen C0268128, HP:0003218.

Allele frequency attached by ClinVar (database versions not stated): ExAC 0.00019; 1000 Genomes Project 0.00339; 1000 Genomes Project 30x 0.00375; gnomAD 0.00248 and 0.00269; TOPMed 0.00288; gnomAD exomes 0.00058.
gnomAD v4.1: 461 of 453,562 alleles (0.1%); highest among the groups gnomAD compares: African/African-American, 0.8%; 3 homozygotes.

Submission:

Illumina Laboratory Services, Illumina
Classification: Benign for Hereditary orotic aciduria. Last evaluated: 2018-01-13. Review status: criteria provided, single submitter. Criteria: ICSL Variant Classification Criteria 13 December 2019. Collection method: clinical testing. Allele origin: germline.
Comment: This variant was observed in the ICSL laboratory as part of a predisposition screen in an ostensibly healthy population. It had not been previously curated by ICSL or reported in the Human Gene Mutation Database (HGMD: prior to June 1st, 2018), and was therefore a candidate for classification through an automated scoring system. Utilizing variant allele frequency, disease prevalence and penetrance estimates, and inheritance mode, an automated score was calculated to assess if this variant is too frequent to cause the disease. Based on the score and internal cut-off values, a variant classified as benign is not then subjected to further curation. The score for this variant resulted in a classification of benign for this disease.